The following is an entry in ClinVar:

ClinVar aggregate classification (germline): Likely benign. Review status: criteria provided, multiple submitters, no conflicts (2 of 4 stars). 2 submissions from 2 submitters: Likely benign (2). Last evaluated 2026-07-01.

gnomAD v4.1: 54 of 1,614,180 alleles (0.0033%); highest among the groups gnomAD compares: South Asian, 0.053%; no homozygotes.

Submissions (2):

CeGaT Center for Human Genetics Tuebingen
Classification: Likely benign. Last evaluated: 2026-07-01. Review status: criteria provided, single submitter. Criteria: CeGaT Center For Human Genetics Tuebingen Variant Classification Criteria Version 2. Collection method: clinical testing. Allele origin: germline. Affected: yes. Observed: 1 variant allele.
Comment: GPD1: BP4, BP7

Labcorp Genetics (formerly Invitae), Labcorp
Classification: Likely benign. Last evaluated: 2024-07-14. Review status: criteria provided, single submitter. Criteria: Invitae Variant Classification Sherloc (09022015). Collection method: clinical testing. Allele origin: germline.

NM_005276.4(GPD1):c.339C>T (p.Ala113=)

Gene: GPD1 (glycerol-3-phosphate dehydrogenase 1; plus strand). Cytogenetic location: 12q13.12.
Variant type: single nucleotide variant.
Coding change: c.339C>T on transcript NM_005276.4 (MANE Select); coding-DNA position 339, C replaced by T.
Protein change: p.Ala113=; no amino-acid change (alanine 113 retained).
Molecular consequence: synonymous variant.
Genome position (GRCh38, 1-based): chr12:50,105,667, C>T. VCF-style: chr12-50105667-C-T. GRCh37 (hg19) VCF-style: chr12-50499450-C-T.
Other names: c.270C>T, p.Ala90= (NM_001257199.2).
Identifiers: ClinVar variation 3718981 (VCV003718981.3).
Genomic context (GRCh38, chr12:50,105,667, plus strand): 5'-GCCCCATCAGTTCATCGGCAAGATCTGTGACCAGCTCAAGGGCCATCTGAAGGCAAACGC[C>T]ACTGGCATATCTCTTATTAAGGTGCCAGGGACACCTTCATGTGGATGGGGGAGGGTGCGG-3'
Protein context (NP_005267.2, residues 103-123): DQLKGHLKAN[Ala113=]TGISLIKGVD